The following is an entry in ClinVar:

ClinVar aggregate classification (germline): Uncertain significance (0 of 4 stars; one submission).

Conditions:
PKD1-related disorder. Also called: PKD1-related condition.

Submission:

PreventionGenetics, part of Exact Sciences
Classification: Uncertain significance for PKD1-related condition. Last evaluated: 2023-10-23. Review status: no assertion criteria provided. Collection method: clinical testing. Allele origin: germline.
Comment: The PKD1 c.8530G>C variant is predicted to result in the amino acid substitution p.Val2844Leu. To our knowledge, this variant has not been reported in the literature or in a large population database, indicating this variant is rare. At this time, the clinical significance of this variant is uncertain due to the absence of conclusive functional and genetic evidence.

NM_001009944.3(PKD1):c.8530G>C (p.Val2844Leu)

Gene: PKD1 (polycystin 1, transient receptor potential channel interacting; minus strand). Cytogenetic location: 16p13.3.
Variant type: single nucleotide variant.
Coding change: c.8530G>C on transcript NM_001009944.3 (MANE Select); coding-DNA position 8530, G replaced by C.
Protein change: p.Val2844Leu; replaces valine 2844 with leucine.
Molecular consequence: missense variant.
Genome position (GRCh38, 1-based): chr16:2,103,527, C>G on the plus strand (G>C on the coding strand, the complement: PKD1 is on the minus strand). VCF-style: chr16-2103527-C-G. GRCh37 (hg19) VCF-style: chr16-2153528-C-G.
Other names: c.8530G>C, p.Val2844Leu (NM_000296.4); short protein forms V2844L.
Identifiers: ClinVar variation 3045868 (VCV003045868.2), dbSNP rs142888788, ClinGen allele CA394362811.